The following is an entry in ClinVar:

ClinVar aggregate classification (germline): Conflicting classifications of pathogenicity. Review status: criteria provided, conflicting classifications (1 of 4 stars). 5 submissions from 5 submitters: Uncertain significance (3); Benign (1). 1 of the submissions does not count toward it. Last evaluated 2026-01-08.

Conditions:
Cardiovascular phenotype. Identifiers: MedGen CN230736.
Alstrom syndrome (ALMS). Identifiers: Orphanet 64, MedGen C0268425, MONDO:0008763, OMIM 203800.

Allele frequency attached by ClinVar (database versions not stated): TOPMed 0.00013; 1000 Genomes Project 0.00040; 1000 Genomes Project 30x 0.00047.
gnomAD v4.1: 20 of 1,614,142 alleles (0.0012%); highest among the groups gnomAD compares: East Asian, 0.04%; no homozygotes.

Submissions (5):

Labcorp Genetics (formerly Invitae), Labcorp
Classification: Uncertain significance for Alstrom syndrome. Last evaluated: 2026-01-08. Review status: criteria provided, single submitter. Criteria: Invitae Variant Classification Sherloc (09022015). Collection method: clinical testing. Allele origin: germline.
Comment: This sequence change replaces glutamine, which is neutral and polar, with histidine, which is basic and polar, at codon 1086 of the ALMS1 protein (p.Gln1086His). This variant is present in population databases (rs181507134, gnomAD 0.09%). This variant has not been reported in the literature in individuals affected with ALMS1-related conditions. ClinVar contains an entry for this variant (Variation ID: 1001738). Experimental studies and prediction algorithms are not available or were not evaluated, and the functional significance of this variant is currently unknown. In summary, the available evidence is currently insufficient to determine the role of this variant in disease. Therefore, it has been classified as a Variant of Uncertain Significance.

Blueprint Genetics
Classification: Uncertain significance. Last evaluated: 2024-05-28. Review status: criteria provided, single submitter. Criteria: ACMG Guidelines, 2015. Collection method: clinical testing. Allele origin: germline.

Ambry Genetics
Classification: Benign for Cardiovascular phenotype. Last evaluated: 2024-04-26. Review status: criteria provided, single submitter. Criteria: Ambry Variant Classification Scheme 2023. Collection method: clinical testing. Allele origin: germline.

Fulgent Genetics
Classification: Uncertain significance for Alstrom syndrome. Last evaluated: 2021-12-17. Review status: criteria provided, single submitter. Criteria: ACMG Guidelines, 2015. Collection method: clinical testing. Allele origin: unknown.

Natera, Inc.
Classification: Uncertain significance for Alstrom syndrome. Last evaluated: 2021-10-13. Review status: no assertion criteria provided. Collection method: clinical testing. Allele origin: germline. Not counted in ClinVar's aggregate classification.

NM_001378454.1(ALMS1):c.3255G>T (p.Gln1085His)

Gene: ALMS1 (ALMS1 centrosome and basal body associated protein; plus strand). Cytogenetic location: 2p13.1.
Variant type: single nucleotide variant.
Coding change: c.3255G>T on transcript NM_001378454.1 (MANE Select); coding-DNA position 3255, G replaced by T.
Protein change: p.Gln1085His; replaces glutamine 1085 with histidine.
Molecular consequence: missense variant.
Genome position (GRCh38, 1-based): chr2:73,449,782, G>T. VCF-style: chr2-73449782-G-T. GRCh37 (hg19) VCF-style: chr2-73676909-G-T.
Other names: c.3258G>T, p.Gln1086His (NM_015120.4); short protein forms Q1085H, Q1086H.
Identifiers: ClinVar variation 1001738 (VCV001001738.10), dbSNP rs181507134, ClinGen allele CA1713489.